The following is an entry in ClinVar:

NM_020361.5(CPA6):c.1205C>A (p.Thr402Asn)

Genes: ARFGEF1-DT (ARFGEF1 divergent transcript; plus strand), CPA6 (carboxypeptidase A6; minus strand). Cytogenetic location: 8q13.2.
Variant type: single nucleotide variant.
Coding change: c.1205C>A on transcript NM_020361.5 (MANE Select); coding-DNA position 1205, C replaced by A.
Protein change: p.Thr402Asn; replaces threonine 402 with asparagine.
Molecular consequence: missense variant.
Genome position (GRCh38, 1-based): chr8:67,422,613, G>T on the plus strand (C>A on the coding strand, the complement: CPA6 is on the minus strand). VCF-style: chr8-67422613-G-T. GRCh37 (hg19) VCF-style: chr8-68334848-G-T.
Other names: short protein forms T402N.
Identifiers: ClinVar variation 3234978 (VCV003234978.1), dbSNP rs2536577836, ClinGen allele CA371259689.

ClinVar aggregate classification (germline): Uncertain significance (1 of 4 stars; one submission).

Conditions:
Familial temporal lobe epilepsy 5. Identifiers: MedGen C3280730, MONDO:0013741, OMIM 614417.

Submission:

Neuberg Centre For Genomic Medicine, NCGM
Classification: Uncertain significance for Familial temporal lobe epilepsy 5. Review status: criteria provided, single submitter. Criteria: ACMG Guidelines, 2015. Collection method: clinical testing. Allele origin: germline. Inheritance: Autosomal dominant inheritance. Affected: yes.
Comment: The missense c.1205C>A p.Thr402Asn variant in CPA6 gene has not been reported previously as a pathogenic variant nor as a benign variant, to our knowledge. The p.Thr402Asn variant is novel not in any individuals in both gnomAD Exomes and 1000 Genomes databases. This variant has not been reported to the ClinVar database. The amino acid change p.Thr402Asn in CPA6 is predicted as conserved by GERP++ and PhyloP across 100 vertebrates. The amino acid Thr at position 402 is changed to a Asn changing protein sequence and it might alter its composition and physico-chemical properties. For these reasons, this variant has been classified as a Variant of Uncertain Significance VUS.